The following is an entry in ClinVar:

NM_032119.4(ADGRV1):c.5814C>T (p.Asp1938=)

Gene: ADGRV1 (adhesion G protein-coupled receptor V1; plus strand). Cytogenetic location: 5q14.3.
Variant type: single nucleotide variant.
Coding change: c.5814C>T on transcript NM_032119.4 (MANE Select); coding-DNA position 5814, C replaced by T.
Protein change: p.Asp1938=; no amino-acid change (aspartic acid 1938 retained).
Molecular consequence: synonymous variant. On other transcripts: non-coding transcript variant (1).
Genome position (GRCh38, 1-based): chr5:90,683,735, C>T. VCF-style: chr5-90683735-C-T. GRCh37 (hg19) VCF-style: chr5-89979552-C-T.
Other names: c.5814C>T (NM_032119.3).
Identifiers: ClinVar variation 1667301 (VCV001667301.10), dbSNP rs375933469, ClinGen allele CA3339665.
Genomic context (GRCh38, chr5:90,683,735, plus strand): 5'-CAACATCACATTTGAGATTGGGCAGACGAGCGCCAATATCACTGTGGAGATATTGCCTGA[C>T]GAAGACCCAGAACTGGATAAGGCATTCTCTGTGTCAGTCCTCAGTGTTTCCAGTGGTTCT-3'
Protein context (NP_115495.3, residues 1928-1948): SANITVEILP[Asp1938=]EDPELDKAFS

ClinVar aggregate classification (germline): Likely benign. Review status: criteria provided, multiple submitters, no conflicts (2 of 4 stars). 3 submissions from 3 submitters: Likely benign (3). Last evaluated 2025-12-26.

Conditions:
ADGRV1-related disorder. Also called: ADGRV1-related disorders; ADGRV1-related condition.

Allele frequency attached by ClinVar (database versions not stated): ExAC 0.00001; gnomAD exomes 0.00003; TOPMed 0.00003; ESP Exome Variant Server 0.00008.
gnomAD v4.1: 45 of 1,613,644 alleles (0.0028%); highest among the groups gnomAD compares: Middle Eastern, 0.016%; no homozygotes.

Submissions (3):

Labcorp Genetics (formerly Invitae), Labcorp
Classification: Likely benign. Last evaluated: 2025-12-26. Review status: criteria provided, single submitter. Criteria: Invitae Variant Classification Sherloc (09022015). Collection method: clinical testing. Allele origin: germline.

PreventionGenetics, part of Exact Sciences
Classification: Likely benign for ADGRV1-related condition. Last evaluated: 2025-09-18. Review status: criteria provided, single submitter. Criteria: ACMG Guidelines, 2015. Collection method: clinical testing. Allele origin: germline.
Comment: This variant is classified as likely benign based on ACMG/AMP sequence variant interpretation guidelines (Richards et al. 2015 PMID: 25741868, with internal and published modifications).

Blueprint Genetics
Classification: Likely benign. Last evaluated: 2024-04-24. Review status: criteria provided, single submitter. Criteria: ACMG Guidelines, 2015. Collection method: clinical testing. Allele origin: germline.